The following is an entry in ClinVar:

NM_001972.4(ELANE):c.95G>C (p.Gly32Ala)

Gene: ELANE (elastase, neutrophil expressed; plus strand). Cytogenetic location: 19p13.3.
Variant type: single nucleotide variant.
Coding change: c.95G>C on transcript NM_001972.4 (MANE Select); coding-DNA position 95, G replaced by C.
Protein change: p.Gly32Ala; replaces glycine 32 with alanine.
Molecular consequence: missense variant.
Genome position (GRCh38, 1-based): chr19:852,903, G>C. VCF-style: chr19-852903-G-C. GRCh37 (hg19) VCF-style: chr19-852903-G-C.
Other names: short protein forms G32A.
Identifiers: ClinVar variation 3507766 (VCV003507766.1).

ClinVar aggregate classification (germline): Uncertain significance (1 of 4 stars; one submission).

Conditions:
Inborn genetic diseases. Identifiers: MedGen C0950123, MeSH D030342.

Submission:

Ambry Genetics
Classification: Uncertain significance for Inborn genetic diseases. Last evaluated: 2024-12-01. Review status: criteria provided, single submitter. Criteria: Ambry Variant Classification Scheme 2023. Collection method: clinical testing. Allele origin: germline.
Comment: The p.G32A variant (also known as c.95G>C), located in coding exon 2 of the ELANE gene, results from a G to C substitution at nucleotide position 95. The glycine at codon 32 is replaced by alanine, an amino acid with similar properties. This amino acid position is conserved. In addition, this alteration is predicted to be deleterious by in silico analysis. Based on the available evidence, the clinical significance of this variant remains unclear.